The following is an entry in ClinVar:

ClinVar aggregate classification (germline): Uncertain significance (1 of 4 stars; one submission).

gnomAD v4.1: 16 of 1,521,710 alleles (0.0011%); highest among the groups gnomAD compares: Non-Finnish European, 0.0014%; no homozygotes.

Submission:

GeneDx
Classification: Uncertain significance. Last evaluated: 2023-05-26. Review status: criteria provided, single submitter. Criteria: GeneDx Variant Classification Process June 2021. Collection method: clinical testing. Allele origin: germline. Affected: yes.
Comment: Not observed at significant frequency in large population cohorts (gnomAD); In silico analysis supports that this missense variant does not alter protein structure/function; Has not been previously published as pathogenic or benign to our knowledge

NM_001195263.2(PDZD7):c.2215C>T (p.Pro739Ser)

Gene: PDZD7 (PDZ domain containing 7; minus strand). Cytogenetic location: 10q24.31.
Variant type: single nucleotide variant.
Coding change: c.2215C>T on transcript NM_001195263.2 (MANE Select); coding-DNA position 2215, C replaced by T.
Protein change: p.Pro739Ser; replaces proline 739 with serine.
Molecular consequence: missense variant.
Genome position (GRCh38, 1-based): chr10:101,010,674, G>A on the plus strand (C>T on the coding strand, the complement: PDZD7 is on the minus strand). VCF-style: chr10-101010674-G-A. GRCh37 (hg19) VCF-style: chr10-102770431-G-A.
Other names: short protein forms P739S.
Identifiers: ClinVar variation 3362021 (VCV003362021.1).